The following is an entry in ClinVar:

NM_000222.3(KIT):c.2488C>G (p.Arg830Gly)

Gene: KIT (KIT proto-oncogene, receptor tyrosine kinase; plus strand). Cytogenetic location: 4q12.
Variant type: single nucleotide variant.
Coding change: c.2488C>G on transcript NM_000222.3 (MANE Select); coding-DNA position 2488, C replaced by G.
Protein change: p.Arg830Gly; replaces arginine 830 with glycine.
Molecular consequence: missense variant.
Genome position (GRCh38, 1-based): chr4:54,736,501, C>G. VCF-style: chr4-54736501-C-G. GRCh37 (hg19) VCF-style: chr4-55602667-C-G.
Other names: c.2479C>G, p.Arg827Gly (NM_001385288.1); c.2488C>G, p.Arg830Gly (NM_001385290.1); c.2476C>G, p.Arg826Gly (NM_001385292.1, NM_001093772.2); c.2491C>G, p.Arg831Gly (NM_001385284.1); c.2485C>G, p.Arg829Gly (NM_001385285.1); c.2473C>G, p.Arg825Gly (NM_001385286.1); short protein forms R826G, R830G, R829G, R825G, R827G, R831G.
Identifiers: ClinVar variation 2851956 (VCV002851956.3), dbSNP rs1330182390, ClinGen allele CA356912877.

ClinVar aggregate classification (germline): Uncertain significance (1 of 4 stars; one submission).

Conditions:
Gastrointestinal stromal tumor. Also called: Gastrointestinal stromal tumor, somatic; Gastrointestinal stroma tumor. Identifiers: Orphanet 44890, MedGen C0238198, MeSH D046152, MONDO:0011719, OMIM 606764, HP:0100723.

Submission:

Labcorp Genetics (formerly Invitae), Labcorp
Classification: Uncertain significance for Gastrointestinal stromal tumor. Last evaluated: 2023-04-04. Review status: criteria provided, single submitter. Criteria: Invitae Variant Classification Sherloc (09022015). Collection method: clinical testing. Allele origin: germline.
Comment: This sequence change replaces arginine, which is basic and polar, with glycine, which is neutral and non-polar, at codon 830 of the KIT protein (p.Arg830Gly). This variant is not present in population databases (gnomAD no frequency). This variant has not been reported in the literature in individuals affected with KIT-related conditions. An algorithm developed to predict the effect of missense changes on protein structure and function (PolyPhen-2) suggests that this variant is likely to be disruptive. In summary, the available evidence is currently insufficient to determine the role of this variant in disease. Therefore, it has been classified as a Variant of Uncertain Significance.